The following is an entry in ClinVar:

NM_021942.6(TRAPPC11):c.3G>A (p.Met1Ile)

Gene: TRAPPC11 (trafficking protein particle complex subunit 11; plus strand). Cytogenetic location: 4q35.1.
Variant type: single nucleotide variant.
Coding change: c.3G>A on transcript NM_021942.6 (MANE Select); coding-DNA position 3, G replaced by A.
Protein change: p.Met1Ile; changes the start codon (methionine 1).
Molecular consequence: missense variant, initiator codon variant.
Genome position (GRCh38, 1-based): chr4:183,663,870, G>A. VCF-style: chr4-183663870-G-A. GRCh37 (hg19) VCF-style: chr4-184585023-G-A.
Other names: c.3G>A, p.Met1Ile (NM_199053.3); short protein forms M1I.
Identifiers: ClinVar variation 1906778 (VCV001906778.6), dbSNP rs1734696063, ClinGen allele CA358858232.

ClinVar aggregate classification (germline): Uncertain significance (1 of 4 stars; one submission).

Conditions:
Autosomal recessive limb-girdle muscular dystrophy type R18 (LGMDR18). Also called: Limb-girdle muscular dystrophy, type 2S; MUSCULAR DYSTROPHY, LIMB-GIRDLE, AUTOSOMAL RECESSIVE 18; Autosomal recessive limb-girdle muscular dystrophy type 2S. Identifiers: Orphanet 369840, MedGen C4517996, MONDO:0014144, OMIM 615356.

Allele frequency attached by ClinVar (database versions not stated): gnomAD 0.00001.

Submission:

Labcorp Genetics (formerly Invitae), Labcorp
Classification: Uncertain significance for Autosomal recessive limb-girdle muscular dystrophy type R18. Last evaluated: 2022-08-09. Review status: criteria provided, single submitter. Criteria: Invitae Variant Classification Sherloc (09022015). Collection method: clinical testing. Allele origin: germline.
Comment: This sequence change affects the initiator methionine of the TRAPPC11 mRNA. The next in-frame methionine is located at codon 17. This variant is not present in population databases (gnomAD no frequency). In summary, the available evidence is currently insufficient to determine the role of this variant in disease. Therefore, it has been classified as a Variant of Uncertain Significance. Experimental studies and prediction algorithms are not available or were not evaluated, and the functional significance of this variant is currently unknown. This variant has not been reported in the literature in individuals affected with TRAPPC11-related conditions.